The following is an entry in ClinVar:

ClinVar aggregate classification (germline): Uncertain significance (0 of 4 stars; one submission).

gnomAD v4.1: 2 of 1,613,122 alleles (0.00012%); highest among the groups gnomAD compares: Non-Finnish European, 0.00017%; no homozygotes.

Submission:

Department of Pathology and Laboratory Medicine, Sinai Health System
Classification: Uncertain significance. Review status: no assertion criteria provided. Collection method: clinical testing. Allele origin: unknown. Affected: yes. Study: The Canadian Open Genetics Repository (COGR).
Comment: The TENM4 p.P2492T variant was not identified in the literature nor was it identified in dbSNP, ClinVar or in the following control databases: the 1000 Genomes Project, the NHLBI GO Exome Sequencing Project, or the Genome Aggregation Database (March 6, 2019, v2.1.1). The p.P2492 residue is conserved in mammals and computational analyses (MUT Assesor, PolyPhen-2, SIFT, MutationTaster, Revel, FATHMM, MetaLR, DANN) suggest that the variant may impact the protein; however, this information is not predictive enough to assume pathogenicity. The variant occurs outside of the splicing consensus sequence and in silico or computational prediction software programs (Splice AI exome) do not predict a difference in splicing. In summary, based on the above information the clinical significance of this variant cannot be determined with certainty at this time. This variant is classified as a variant of uncertain significance.

NM_001098816.3(TENM4):c.7474C>A (p.Pro2492Thr)

Gene: TENM4 (teneurin transmembrane protein 4; minus strand). Cytogenetic location: 11q14.1.
Variant type: single nucleotide variant.
Coding change: c.7474C>A on transcript NM_001098816.3 (MANE Select); coding-DNA position 7474, C replaced by A.
Protein change: p.Pro2492Thr; replaces proline 2492 with threonine.
Molecular consequence: missense variant.
Genome position (GRCh38, 1-based): chr11:78,661,526, G>T on the plus strand (C>A on the coding strand, the complement: TENM4 is on the minus strand). VCF-style: chr11-78661526-G-T. GRCh37 (hg19) VCF-style: chr11-78372571-G-T.
Other names: short protein forms P2492T.
Identifiers: ClinVar variation 1048864 (VCV001048864.1), dbSNP rs766448601, ClinGen allele CA382126664.